The following is an entry in ClinVar:

NM_004304.5(ALK):c.2323G>A (p.Val775Ile)

Gene: ALK (ALK receptor tyrosine kinase; minus strand). Cytogenetic location: 2p23.2.
Variant type: single nucleotide variant.
Coding change: c.2323G>A on transcript NM_004304.5 (MANE Select); coding-DNA position 2323, G replaced by A.
Protein change: p.Val775Ile; replaces valine 775 with isoleucine.
Molecular consequence: missense variant.
Genome position (GRCh38, 1-based): chr2:29,239,712, C>T on the plus strand (G>A on the coding strand, the complement: ALK is on the minus strand). VCF-style: chr2-29239712-C-T. GRCh37 (hg19) VCF-style: chr2-29462578-C-T.
Other names: short protein forms V775I.
Identifiers: ClinVar variation 3521251 (VCV003521251.1).

ClinVar aggregate classification (germline): Uncertain significance (1 of 4 stars; one submission).

Conditions:
Hereditary cancer-predisposing syndrome. Also called: Hereditary Cancer Syndrome; Hereditary neoplastic syndrome; Tumor predisposition; Neoplastic Syndromes, Hereditary. Identifiers: Orphanet 140162, MedGen C0027672, MeSH D009386, MONDO:0015356.

gnomAD v4.1: 1 of 1,614,082 alleles (0.000062%); highest among the groups gnomAD compares: Non-Finnish European, 0.000085%; no homozygotes.

Submission:

Ambry Genetics
Classification: Uncertain significance for Hereditary cancer-predisposing syndrome. Last evaluated: 2024-10-04. Review status: criteria provided, single submitter. Criteria: Ambry Variant Classification Scheme 2023. Collection method: clinical testing. Allele origin: germline.
Comment: The p.V775I variant (also known as c.2323G>A), located in coding exon 13 of the ALK gene, results from a G to A substitution at nucleotide position 2323. The valine at codon 775 is replaced by isoleucine, an amino acid with highly similar properties. This amino acid position is conserved. In addition, this alteration is predicted to be tolerated by in silico analysis. Based on the available evidence, the clinical significance of this variant remains unclear.